The following is an entry in ClinVar:

NM_014159.7(SETD2):c.4193T>C (p.Ile1398Thr)

Gene: SETD2 (SET domain containing 2, histone lysine methyltransferase; minus strand). Cytogenetic location: 3p21.31.
Variant type: single nucleotide variant.
Coding change: c.4193T>C on transcript NM_014159.7 (MANE Select); coding-DNA position 4193, T replaced by C.
Protein change: p.Ile1398Thr; replaces isoleucine 1398 with threonine.
Molecular consequence: missense variant. On other transcripts: non-coding transcript variant (1).
Genome position (GRCh38, 1-based): chr3:47,120,443, A>G on the plus strand (T>C on the coding strand, the complement: SETD2 is on the minus strand). VCF-style: chr3-47120443-A-G. GRCh37 (hg19) VCF-style: chr3-47161933-A-G.
Other names: c.4061T>C, p.Ile1354Thr (NM_001349370.3); short protein forms I1398T, I1354T.
Identifiers: ClinVar variation 135239 (VCV000135239.36), dbSNP rs145732065, ClinGen allele CA162110.

ClinVar aggregate classification (germline): Benign/Likely benign. Review status: criteria provided, multiple submitters, no conflicts (2 of 4 stars). 5 submissions from 5 submitters: Benign (2); Likely benign (2). 1 of the submissions does not count toward it. Last evaluated 2026-07-01.

Conditions:
Luscan-Lumish syndrome. Identifiers: Orphanet 597738, MedGen C4085873, MONDO:0014791, OMIM 616831.

Allele frequency attached by ClinVar (database versions not stated): gnomAD exomes 0.00019 and 0.00048; ExAC 0.00026; gnomAD 0.00029 and 0.00032; ESP Exome Variant Server 0.00038; TOPMed 0.00042.
gnomAD v4.1: 353 of 1,612,848 alleles (0.022%); highest among the groups gnomAD compares: Admixed American, 0.012%; 3 homozygotes.

Submissions (5):

CeGaT Center for Human Genetics Tuebingen
Classification: Likely benign. Last evaluated: 2026-07-01. Review status: criteria provided, single submitter. Criteria: CeGaT Center For Human Genetics Tuebingen Variant Classification Criteria Version 2. Collection method: clinical testing. Allele origin: germline. Affected: yes. Observed: 3 variant alleles.
Comment: SETD2: BP4

Labcorp Genetics (formerly Invitae), Labcorp
Classification: Benign for Luscan-Lumish syndrome. Last evaluated: 2025-09-05. Review status: criteria provided, single submitter. Criteria: Invitae Variant Classification Sherloc (09022015). Collection method: clinical testing. Allele origin: germline.

Blueprint Genetics
Classification: Likely benign. Last evaluated: 2024-11-07. Review status: criteria provided, single submitter. Criteria: ACMG Guidelines, 2015. Collection method: clinical testing. Allele origin: germline.

Athena Diagnostics
Classification: Benign. Last evaluated: 2024-02-01. Review status: criteria provided, single submitter. Criteria: Athena Diagnostics Criteria. Collection method: clinical testing. Allele origin: unknown.

ITMI
No classification provided. Condition: AllHighlyPenetrant. Last evaluated: 2013-09-19. Review status: no classification provided. Collection method: reference population. Allele origin: germline. Not counted in ClinVar's aggregate classification.
Comment: Please see associated publication for description of ethnicities

Literature cited by the submitters: PubMed 24728327 (cited by ITMI).